The following is an entry in ClinVar:

ClinVar aggregate classification (germline): Uncertain significance (1 of 4 stars; one submission).

Conditions:
Duchenne muscular dystrophy (DMD). Also called: MUSCULAR DYSTROPHY, PSEUDOHYPERTROPHIC PROGRESSIVE, DUCHENNE TYPE; Duchenne Muscular Dystrophy (DMD). Identifiers: Orphanet 98896, MedGen C0013264, MONDO:0010679, OMIM 310200.

Submission:

Labcorp Genetics (formerly Invitae), Labcorp
Classification: Uncertain significance for Duchenne muscular dystrophy. Last evaluated: 2024-11-16. Review status: criteria provided, single submitter. Criteria: Invitae Variant Classification Sherloc (09022015). Collection method: clinical testing. Allele origin: germline.
Comment: This sequence change replaces methionine, which is neutral and non-polar, with arginine, which is basic and polar, at codon 3660 of the DMD protein (p.Met3660Arg). This variant is not present in population databases (gnomAD no frequency). This variant has not been reported in the literature in individuals affected with DMD-related conditions. ClinVar contains an entry for this variant (Variation ID: 1044173). Invitae Evidence Modeling of protein sequence and biophysical properties (such as structural, functional, and spatial information, amino acid conservation, physicochemical variation, residue mobility, and thermodynamic stability) indicates that this missense variant is not expected to disrupt DMD protein function with a negative predictive value of 95%. In summary, the available evidence is currently insufficient to determine the role of this variant in disease. Therefore, it has been classified as a Variant of Uncertain Significance.

NM_004006.3(DMD):c.10979T>G (p.Met3660Arg)

Gene: DMD (dystrophin; minus strand). Cytogenetic location: Xp21.2.
Variant type: single nucleotide variant.
Coding change: c.10979T>G on transcript NM_004006.3 (MANE Select); coding-DNA position 10979, T replaced by G.
Protein change: p.Met3660Arg; replaces methionine 3660 with arginine.
Molecular consequence: missense variant.
Genome position (GRCh38, 1-based): chrX:31,134,137, A>C on the plus strand (T>G on the coding strand, the complement: DMD is on the minus strand). VCF-style: chrX-31134137-A-C. GRCh37 (hg19) VCF-style: chrX-31152254-A-C.
Other names: c.10955T>G, p.Met3652Arg (NM_000109.4); c.10967T>G, p.Met3656Arg (NM_004009.3); c.10610T>G, p.Met3537Arg (NM_004010.3); c.6956T>G, p.Met2319Arg (NM_004011.4); c.6947T>G, p.Met2316Arg (NM_004012.4); c.3599T>G, p.Met1200Arg (NM_004013.3, NM_004021.3); c.2792T>G, p.Met931Arg (NM_004014.3); c.1775T>G, p.Met592Arg (NM_004015.3, NM_004016.3); and 3 more; short protein forms M1090R, M1187R, M3652R, M2316R, M3656R, M3660R, M579R, M1200R.
Identifiers: ClinVar variation 1044173 (VCV001044173.9), dbSNP rs2034871943, ClinGen allele CA412648141.
Genomic context (GRCh38, chrX:31,134,137, plus strand): 5'-GTCCCTTCTAGGTATTGGAGCTTACCTCTTGAACTAGGGAAGGAGTTGTTGAGTTGCTCC[A>C]TCACCTCCTCTAACCCTGTGCTTGTGTCCTGGGGAGGACTGAGAAGATCTTCCTCACCTT-3'
Protein context (NP_003997.2, residues 3650-3670): QDTSTGLEEV[Met3660Arg]EQLNNSFPSS